The following is an entry in ClinVar:

ClinVar aggregate classification (germline): Uncertain significance (1 of 4 stars; one submission).

Allele frequency attached by ClinVar (database versions not stated): gnomAD exomes below 0.00001.
gnomAD v4.1: 1 of 1,614,114 alleles (0.000062%); highest among the groups gnomAD compares: Admixed American, 0.0017%; no homozygotes.

Submission:

Labcorp Genetics (formerly Invitae), Labcorp
Classification: Uncertain significance. Last evaluated: 2023-10-14. Review status: criteria provided, single submitter. Criteria: Invitae Variant Classification Sherloc (09022015). Collection method: clinical testing. Allele origin: germline.
Comment: This sequence change replaces alanine, which is neutral and non-polar, with proline, which is neutral and non-polar, at codon 204 of the MTOR protein (p.Ala204Pro). This variant is present in population databases (no rsID available, gnomAD 0.003%). This missense change has been observed in individual(s) with Smith-Kingsmore syndrome (Invitae). ClinVar contains an entry for this variant (Variation ID: 1407806). Advanced modeling of protein sequence and biophysical properties (such as structural, functional, and spatial information, amino acid conservation, physicochemical variation, residue mobility, and thermodynamic stability) performed at Invitae indicates that this missense variant is not expected to disrupt MTOR protein function. In summary, the available evidence is currently insufficient to determine the role of this variant in disease. Therefore, it has been classified as a Variant of Uncertain Significance.

NM_004958.4(MTOR):c.610G>C (p.Ala204Pro)

Gene: MTOR (mechanistic target of rapamycin kinase; minus strand). Cytogenetic location: 1p36.22.
Variant type: single nucleotide variant.
Coding change: c.610G>C on transcript NM_004958.4 (MANE Select); coding-DNA position 610, G replaced by C.
Protein change: p.Ala204Pro; replaces alanine 204 with proline.
Molecular consequence: missense variant. On other transcripts: 5 prime UTR variant (1).
Genome position (GRCh38, 1-based): chr1:11,256,087, C>G on the plus strand (G>C on the coding strand, the complement: MTOR is on the minus strand). VCF-style: chr1-11256087-C-G. GRCh37 (hg19) VCF-style: chr1-11316144-C-G.
Other names: c.610G>C, p.Ala204Pro (NM_001386500.1); c.-530G>C (NM_001386501.1); short protein forms A204P.
Identifiers: ClinVar variation 1407806 (VCV001407806.6), dbSNP rs1253412423, ClinGen allele CA338402944.